The following is an entry in ClinVar:

NM_207037.2(TCF12):c.2073A>G (p.Gly691=)

Gene: TCF12 (transcription factor 12; plus strand). Cytogenetic location: 15q21.3.
Variant type: single nucleotide variant.
Coding change: c.2073A>G on transcript NM_207037.2 (MANE Select); coding-DNA position 2073, A replaced by G.
Protein change: p.Gly691=; no amino-acid change (glycine 691 retained).
Molecular consequence: synonymous variant.
Genome position (GRCh38, 1-based): chr15:57,282,539, A>G. VCF-style: chr15-57282539-A-G. GRCh37 (hg19) VCF-style: chr15-57574737-A-G.
Other names: c.2073A>G, p.Gly691= (NM_207036.2, NM_001322159.3, NM_001322162.2 and 1 more transcripts); c.2001A>G, p.Gly667= (NM_207038.2, NM_001322165.2, NM_003205.4 and 1 more transcripts); c.1491A>G, p.Gly497= (NM_207040.2); c.1827A>G, p.Gly609= (NM_001322158.2); c.2070A>G, p.Gly690= (NM_001322161.2, NM_001322152.2); c.2037A>G, p.Gly679= (NM_001322164.2); c.1563A>G, p.Gly521= (NM_001306219.3); c.1293A>G, p.Gly431= (NM_001306220.3); and 2 more.
Identifiers: ClinVar variation 4874494 (VCV004874494.2).

ClinVar aggregate classification (germline): Likely benign (1 of 4 stars; one submission).

Submission:

CeGaT Center for Human Genetics Tuebingen
Classification: Likely benign. Last evaluated: 2026-04-01. Review status: criteria provided, single submitter. Criteria: CeGaT Center For Human Genetics Tuebingen Variant Classification Criteria Version 2. Collection method: clinical testing. Allele origin: germline. Affected: yes. Observed: 1 variant allele.
Comment: TCF12: PM2:Supporting, BP4, BP7